The following is an entry in ClinVar:

NM_012418.4(FSCN2):c.827-6C>G

Gene: FSCN2 (fascin actin-bundling protein 2, retinal; plus strand). Cytogenetic location: 17q25.3.
Variant type: single nucleotide variant.
Coding change: c.827-6C>G on transcript NM_012418.4 (MANE Select); 6 bases into the intron before coding-DNA position 827, C replaced by G.
Molecular consequence: intron variant.
Genome position (GRCh38, 1-based): chr17:81,535,046, C>G. VCF-style: chr17-81535046-C-G. GRCh37 (hg19) VCF-style: chr17-79502072-C-G.
Other names: c.827-6C>G (NM_001077182.3).
Identifiers: ClinVar variation 2102737 (VCV002102737.4), dbSNP rs2544448889, ClinGen allele CA2580095347.
Genomic context (GRCh38, chr17:81,535,046, plus strand): 5'-ATATGCCCCCTCCCCTGCTCCCTACCCAGGAGAGGCGTGAGGGGCTTCCCCATCTCCTCC[C>G]TCCAGGGGTCAACGTCTCAGCCAATCAGGATGATGAACTAGACCACGAGACCTTCCTGAT-3'

ClinVar aggregate classification (germline): Uncertain significance (1 of 4 stars; one submission).

Submission:

Labcorp Genetics (formerly Invitae), Labcorp
Classification: Uncertain significance. Last evaluated: 2022-02-23. Review status: criteria provided, single submitter. Criteria: Invitae Variant Classification Sherloc (09022015). Collection method: clinical testing. Allele origin: germline.
Comment: In summary, the available evidence is currently insufficient to determine the role of this variant in disease. Therefore, it has been classified as a Variant of Uncertain Significance. Algorithms developed to predict the effect of sequence changes on RNA splicing suggest that this variant may create or strengthen a splice site. This variant has not been reported in the literature in individuals affected with FSCN2-related conditions. This variant is not present in population databases (gnomAD no frequency). This sequence change falls in intron 1 of the FSCN2 gene. It does not directly change the encoded amino acid sequence of the FSCN2 protein.